The following is an entry in ClinVar:

ClinVar aggregate classification (germline): Pathogenic/Likely pathogenic. Review status: criteria provided, multiple submitters, no conflicts (2 of 4 stars). 12 submissions from 12 submitters: Pathogenic (8); Likely pathogenic (1). 3 of the submissions do not count toward it. Last evaluated 2023-04-21.

Conditions:
Tubulinopathy. Also called: Tubulinopathies. Identifiers: MedGen CN850169, MONDO:0100153.
Lissencephaly. Also called: Lissencephaly spectrum disorders. Identifiers: Orphanet 48471, MedGen C0266463, MeSH D054082, MONDO:0018838, HP:0001339.
Autosomal recessive limb-girdle muscular dystrophy type 2D (LGMDR3). Also called: MUSCULAR DYSTROPHY, LIMB-GIRDLE, AUTOSOMAL RECESSIVE 3; ADHALINOPATHY, PRIMARY; DUCHENNE-LIKE AUTOSOMAL RECESSIVE MUSCULAR DYSTROPHY, TYPE 2. Identifiers: Orphanet 62, MedGen C2936332, MONDO:0011968, OMIM 608099. Disease mechanism: Affects gamma-sarcoglycan and also disrupts the integrity of the entire sarcoglycan complex..
Lissencephaly due to TUBA1A mutation (CDCBM16). Also called: CORTICAL DYSPLASIA, COMPLEX, WITH OTHER BRAIN MALFORMATIONS 16; Lissencephaly 3. Identifiers: Orphanet 171680, MedGen C4305153, MONDO:0012703, OMIM 611603.

Submissions (12):

Institute of Medical Genetics and Applied Genomics, University Hospital Tübingen
Classification: Pathogenic for Lissencephaly due to TUBA1A mutation. Last evaluated: 2023-04-21. Review status: criteria provided, single submitter. Criteria: ACMG Guidelines, 2015. Collection method: clinical testing. Allele origin: germline. Inheritance: Autosomal dominant inheritance. Affected: yes.

Center for Genomics, Ann and Robert H. Lurie Children's Hospital of Chicago
Classification: Pathogenic for Lissencephaly due to TUBA1A mutation. Last evaluated: 2022-08-12. Review status: criteria provided, single submitter. Criteria: ACMG Guidelines, 2015. Collection method: clinical testing. Allele origin: germline.
Comment: This variant has been reported in the literature in at least 8 individuals with lissencephaly, and as de novo in at least 5 of these individuals (Selected publications: Poirier 2007 PMID:17584854; Morris-Rosendahl 2008 PMID:18954413; Kumar 2010 PMID:20466733; Di Donato 2018 PMID:29671837). This variant is absent from large control databases but is present in ClinVar, with several laboratories classifying it as pathogenic (Variation ID:160146). In vitro functional studies have shown a deleterious effect of this variant on the protein, including causing a defect in the tubulin heterodimer assembly pathway (Tian 2010 PMID:20603323; Aiken 2019 PMID:30517687). An in vivo functional study in a mouse model suggests that this variant results in defective neuronal migration (Aiken 2019 PMID:30517687). Evolutionary conservation and computational predictive tools support a deleterious effect of this variant on the protein. Of note, this amino acid position, p.Arg402, is the most common location for pathogenic variants in the TUBA1A gene, further supporting the functional importance of this residue (Hebebrand 2019 PMID:30744660; Aiken 2019 PMID:30517687). In summary, this variant is classified as pathogenic.

GeneDx
Classification: Pathogenic. Last evaluated: 2022-06-07. Review status: criteria provided, single submitter. Criteria: GeneDx Variant Classification Process June 2021. Collection method: clinical testing. Allele origin: germline. Affected: yes.
Comment: Published functional studies demonstrate reduced yield, compromised stability of tubulin heterodimers, and decreased cortical neuron migration (Tian et al., 2010; Aiken et al., 2019); however, studies are conflicting regarding their ability to successfully assemble into microtubules (Yokoi et al., 2015); Not observed at significant frequency in large population cohorts (gnomAD); In silico analysis supports that this missense variant has a deleterious effect on protein structure/function; Missense variants in this gene are often considered pathogenic (HGMD); This variant is associated with the following publications: (PMID: 25059107, 20603323, 22264709, 26493046, 17584854, 18954413, 20466733, 21292473, 30517687, 29671837, 30744660, 24860126)

Labcorp Genetics (formerly Invitae), Labcorp
Classification: Pathogenic. Last evaluated: 2021-04-02. Review status: criteria provided, single submitter. Criteria: Invitae Variant Classification Sherloc (09022015). Collection method: clinical testing. Allele origin: germline.
Comment: This sequence change replaces arginine with cysteine at codon 402 of the TUBA1A protein (p.Arg402Cys). The arginine residue is highly conserved and there is a large physicochemical difference between arginine and cysteine. This variant is not present in population databases (ExAC no frequency). This variant has been observed in individual(s) with TUBA1A-related cortical malformations (PMID: 20466733, 17584854). In at least one individual the variant was observed to be de novo. ClinVar contains an entry for this variant (Variation ID: 160146). Experimental studies have shown that this variant affects TUBA1A protein function (PMID: 30517687). For these reasons, this variant has been classified as Pathogenic.

Institute of Human Genetics, FAU Erlangen, Friedrich-Alexander-Universität Erlangen-Nürnberg
Classification: Pathogenic for Tubulinopathies. Last evaluated: 2018-07-01. Review status: criteria provided, single submitter. Criteria: ACMG Guidelines, 2015. Collection method: literature only. Allele origin: de novo. Affected: yes. Observed: 8 variant alleles.
Comment: The c.1204C>T, p.(Arg402Cys) variant has been reported as a variant of de novo origin. This variant and associated phenotype was previously reported by Morris-Rosendahl et al. Clin Genet, 2008 PMID: 18954413. HPO-standardized clinical features were: Partial agenesis of the corpus callosum, Hypoplasia of the corpus callosum (HP:0001338, HP:0002079); Agyria (HP:0031882); Cerebellar vermis hypoplasia (HP:0001320); Hypoplasia of the pons (HP:0012110); no Abnormal morphology of the hippocampus (HP:0025100); Dilation of lateral ventricles (HP:0006956); Congenital microcephaly (HP:0011451); Microcephaly (HP:0000252); Spasticity, muscular hypotonia (HP:0001257, HP:0001252); Generalized tonic-clonic seizures (HP:0002069); Strabismus, Nystagmus (HP:0000486, HP:0000639)

Genetic Services Laboratory, University of Chicago
Classification: Pathogenic for Lissencephaly 3. Last evaluated: 2013-11-05. Review status: criteria provided, single submitter. Criteria: ACMG Guidelines, 2007. Collection method: clinical testing. Allele origin: germline. Inheritance: Autosomal dominant inheritance. Affected: yes.

Broad Center for Mendelian Genomics, Broad Institute of MIT and Harvard
Classification: Pathogenic for Autosomal recessive limb-girdle muscular dystrophy type 2D. Review status: criteria provided, single submitter. Criteria: ACMG Guidelines, 2015. Collection method: research. Allele origin: germline. Inheritance: Autosomal dominant inheritance. Affected: yes. Observed: 1 variant allele, 1 heterozygote. Study: Broad Institute Center for Mendelian Genomics (CMG).
Comment: The p.Arg402Cys variant is believed to be pathogenic based on numberous reports by other laboratories in the literature and databases.

Lifecell International Pvt. Ltd
Classification: Likely pathogenic for Lissencephaly due to TUBA1A mutation. Review status: criteria provided, single submitter. Criteria: ACMG Guidelines, 2015. Collection method: clinical testing. Allele origin: germline. Inheritance: Autosomal dominant inheritance. Affected: yes. Observed: 1 heterozygote.
Comment: A Heterozygous Missense variant c.1204C>T in Exon 4 of the TUBA1A gene that results in the amino acid substitution p.Arg402Cys was identified. The observed variant is novel in gnomAD exomes and genomes. The severity of the impact of this variant on the protein is high, based on the effect of the protein and REVEL score . Rare Exome Variant Ensemble Learner (REVEL) is an ensembl method for predicting the pathogenicity of missense variants based on a combination of scores from 13 individual tools: MutPred, FATHMM v2.3, VEST 3.0, PolyPhen-2, SIFT, PROVEAN, MutationAssessor, MutationTaster, LRT, GERP++, SiPhy, phyloP, and phastCons. The REVEL score for an individual missense variant can range from 0 to 1, with higher scores reflecting greater likelihood that the variant is disease-causing. ClinVar has also classified this variant as Pathogenic [Variant ID : 160146]. The observed variation has previosuly been reported for tubulinopathy by Hebebrand, Moritz, et al., 2019. For these reasons this variant has been classified as Likely Pathogenic.

Suma Genomics
Classification: Pathogenic for Lissencephaly due to TUBA1A mutation. Review status: criteria provided, single submitter. Criteria: ACMG Guidelines, 2015. Collection method: clinical testing. Allele origin: de novo. Inheritance: Autosomal dominant inheritance. Affected: yes.

OMIM
Classification: Pathogenic for CORTICAL DYSPLASIA, COMPLEX, WITH OTHER BRAIN MALFORMATIONS 16. Last evaluated: 2010-09-15. Review status: no assertion criteria provided. Collection method: literature only. Allele origin: germline. Not counted in ClinVar's aggregate classification.

GeneReviews
No classification provided. Condition: Lissencephaly type 3. Review status: no classification provided. Collection method: literature only. Allele origin: germline. Affected: yes. Not counted in ClinVar's aggregate classification.
Comment: Classic lissencephaly

University of Washington Center for Mendelian Genomics, University of Washington
Classification: Likely pathogenic for lissencephaly. Review status: no assertion criteria provided. Collection method: research. Allele origin: unknown. Affected: yes. Not counted in ClinVar's aggregate classification.

Literature cited by the submitters: PubMed 20466733 (cited by Labcorp Genetics (formerly Invitae), Labcorp and GeneReviews); PubMed 17584854 (cited by Labcorp Genetics (formerly Invitae), Labcorp and OMIM); PubMed 30517687 (cited by Labcorp Genetics (formerly Invitae), Labcorp and OMIM); PubMed 30744660 (cited by Institute of Human Genetics, FAU Erlangen, Friedrich-Alexander-Universität Erlangen-Nürnberg and Lifecell International Pvt. Ltd); DOI 10.1101/427948 (cited by Institute of Human Genetics, FAU Erlangen, Friedrich-Alexander-Universität Erlangen-Nürnberg); PubMed 38813542 (cited by OMIM); PubMed 20603323 (cited by OMIM); PubMed 18728072 (cited by GeneReviews); NCBI Bookshelf NBK350554 (cited by GeneReviews); PubMed 29671837 (cited by University of Washington Center for Mendelian Genomics, University of Washington).

NM_006009.4(TUBA1A):c.1204C>T (p.Arg402Cys)

Gene: TUBA1A (tubulin alpha 1a; minus strand). Cytogenetic location: 12q13.12.
Variant type: single nucleotide variant.
Coding change: c.1204C>T on transcript NM_006009.4 (MANE Select); coding-DNA position 1204, C replaced by T.
Protein change: p.Arg402Cys; replaces arginine 402 with cysteine.
Molecular consequence: missense variant.
Genome position (GRCh38, 1-based): chr12:49,185,162, G>A on the plus strand (C>T on the coding strand, the complement: TUBA1A is on the minus strand). VCF-style: chr12-49185162-G-A. GRCh37 (hg19) VCF-style: chr12-49578945-G-A.
Other names: c.1204C>T, p.Arg402Cys (NM_001270399.2); c.1099C>T, p.Arg367Cys (NM_001270400.2); short protein forms R402C, R367C.
Identifiers: ClinVar variation 160146 (VCV000160146.26), dbSNP rs587784483, ClinGen allele CA213256.
Genomic context (GRCh38, chr12:49,185,162, plus strand): 5'-GGGCCTCTGAAAACTCACCTTCCTCCATCCCCTCCCCAACGTACCAGTGAACAAAGGCAC[G>A]TTTGGCATACATCAGGTCAAACTTGTGGTCCAGGCGAGCCCAGGCCTCAGCAATGGCTGT-3'
Protein context (NP_006000.2, residues 392-412): DHKFDLMYAK[Arg402Cys]AFVHWYVGEG